The following is an entry in ClinVar:

ClinVar aggregate classification (germline): Uncertain significance. Review status: criteria provided, multiple submitters, no conflicts (2 of 4 stars). 7 submissions from 7 submitters: Uncertain significance (7). Last evaluated 2026-01-06.

Conditions:
Ehlers-Danlos syndrome, type 4 (EDSVASC). Also called: Ehlers-Danlos Syndrome Type IV; Ehlers-Danlos syndrome vascular type; Ehlers Danlos syndrome, ecchymotic type; Ehlers Danlos syndrome, arterial type; Ehlers Danlos syndrome, Sack-Barabas type. Identifiers: Orphanet 286, MedGen C0268338, MONDO:0017314, OMIM 130050.
Polymicrogyria with or without vascular-type Ehlers-Danlos syndrome. Identifiers: Orphanet 636941, MedGen C5193040, MONDO:0032688, OMIM 618343.
Familial thoracic aortic aneurysm and aortic dissection (TAAD). Also called: Thoracic aortic aneurysms and dissections. Identifiers: Orphanet 91387, MedGen C4707243, MONDO:0019625.

Allele frequency attached by ClinVar (database versions not stated): gnomAD 0.00001; TOPMed 0.00003.
gnomAD v4.1: 38 of 1,613,750 alleles (0.0024%); highest among the groups gnomAD compares: Non-Finnish European, 0.0029%; no homozygotes.

Submissions (7):

Labcorp Genetics (formerly Invitae), Labcorp
Classification: Uncertain significance for Ehlers-Danlos syndrome, type 4. Last evaluated: 2026-01-06. Review status: criteria provided, single submitter. Criteria: Invitae Variant Classification Sherloc (09022015). Collection method: clinical testing. Allele origin: germline.
Comment: This sequence change replaces arginine, which is basic and polar, with leucine, which is neutral and non-polar, at codon 1432 of the COL3A1 protein (p.Arg1432Leu). This variant is present in population databases (rs772428340, gnomAD 0.004%). This missense change has been observed in individuals with clinical features of Ehlers-Danlos syndrome (PMID: 25846194, 33125268; internal data). ClinVar contains an entry for this variant (Variation ID: 404289). Invitae Evidence Modeling of protein sequence and biophysical properties (such as structural, functional, and spatial information, amino acid conservation, physicochemical variation, residue mobility, and thermodynamic stability) indicates that this missense variant is not expected to disrupt COL3A1 protein function with a negative predictive value of 95%. In summary, the available evidence is currently insufficient to determine the role of this variant in disease. Therefore, it has been classified as a Variant of Uncertain Significance.

Ambry Genetics
Classification: Uncertain significance for Familial thoracic aortic aneurysm and aortic dissection. Last evaluated: 2024-11-04. Review status: criteria provided, single submitter. Criteria: Ambry Variant Classification Scheme 2023. Collection method: clinical testing. Allele origin: germline.
Comment: The p.R1432L variant (also known as c.4295G>T), located in coding exon 51 of the COL3A1 gene, results from a G to T substitution at nucleotide position 4295. The arginine at codon 1432 is replaced by leucine, an amino acid with dissimilar properties. This variant was detected in a proband and sibling with features of Ehlers-Danlos syndrome (EDS), but who were not reported to have arterial or organ fragility findings associated with vascular EDS (Stembridge NS et al. Am. J. Med. Genet. A, 2015 Aug;167A:1763-72). This amino acid position is not well conserved in available vertebrate species. In addition, this alteration is predicted to be tolerated by in silico analysis. Since supporting evidence is limited at this time, the clinical significance of this alteration remains unclear.

All of Us Research Program, National Institutes of Health
Classification: Uncertain significance for Ehlers-Danlos syndrome, type 4. Last evaluated: 2024-05-14. Review status: criteria provided, single submitter. Criteria: ACMG Guidelines, 2015. Collection method: clinical testing. Allele origin: germline. Inheritance: Autosomal dominant inheritance. Observed: 12 variant alleles, 12 heterozygotes.
Comment: This missense variant replaces arginine with leucine at codon 1432 of the COL3A1 protein. Computational prediction suggests that this variant may not impact protein structure and function (internally defined REVEL score threshold <= 0.5, PMID: 27666373). To our knowledge, functional studies have not been reported for this variant. This variant has been reported in individuals affected with two siblings with Ehlers-Danlos-like symptoms without the vascular impairments typical of vascular Ehlers-Danlos (PMID: 25846194, 31075413) and in one individual affected with spontaneous coronary artery dissection (PMID: 33125268). This variant has been identified in 5/251334 chromosomes in the general population by the Genome Aggregation Database (gnomAD). The available evidence is insufficient to determine the role of this variant in disease conclusively. Therefore, this variant is classified as a Variant of Uncertain Significance.

This study involves interpretation of variants in research participants for the purpose of population health screening. Participant phenotype was not available at the time of variant classification. Additional details can be found in publication PMID: 35346344, PMCID: PMC8962531

Color Diagnostics, LLC DBA Color Health
Classification: Uncertain significance for Familial thoracic aortic aneurysm and aortic dissection. Last evaluated: 2024-05-01. Review status: criteria provided, single submitter. Criteria: ACMG Guidelines, 2015. Collection method: clinical testing. Allele origin: germline.
Comment: This missense variant replaces arginine with leucine at codon 1432 of the COL3A1 protein. Computational prediction tools indicate that this variant has a neutral impact on protein structure and function. To our knowledge, functional studies have not been reported for this variant. This variant has been reported in two siblings affected with hyperextensible skin and easy bruising (PMID: 25846194, 31075413), in one individual affected with spontaneous coronary artery dissection (PMID: 33125268), and in one individual affected with mild aortic dilation (PMID: 36446894). This variant has been identified in 5/251334 chromosomes in the general population by the Genome Aggregation Database (gnomAD). The available evidence is insufficient to determine the role of this variant in disease conclusively. Therefore, this variant is classified as a Variant of Uncertain Significance.

Blueprint Genetics
Classification: Uncertain significance. Last evaluated: 2023-04-28. Review status: criteria provided, single submitter. Criteria: ACMG Guidelines, 2015. Collection method: clinical testing. Allele origin: germline.

GeneDx
Classification: Uncertain significance. Last evaluated: 2022-06-09. Review status: criteria provided, single submitter. Criteria: GeneDx Variant Classification Process June 2021. Collection method: clinical testing. Allele origin: germline. Affected: yes.
Comment: Identified in two siblings, one with features consistent with classical EDS (cEDS) and one with features of hypermobile EDS (hEDS) (Stembridge et al., 2015); Not observed at significant frequency in large population cohorts (gnomAD); Not located in the triple helical region, where the majority of pathogenic missense variants occur (HGMD); In silico analysis supports that this missense variant has a deleterious effect on protein structure/function; Also known as p.(R1265L); This variant is associated with the following publications: (PMID: 34318601, 25846194, 33125268)

Fulgent Genetics
Classification: Uncertain significance for Ehlers-Danlos syndrome, type 4; Polymicrogyria with or without vascular-type Ehlers-Danlos syndrome. Last evaluated: 2021-08-09. Review status: criteria provided, single submitter. Criteria: ACMG Guidelines, 2015. Collection method: clinical testing. Allele origin: unknown.

Literature cited by the submitters: PubMed 25846194 (cited by 4 submitters); PubMed 33125268 (cited by 4 submitters); PubMed 31075413 (cited by 3 submitters); PubMed 36446894 (cited by Color Diagnostics, LLC DBA Color Health).

NM_000090.4(COL3A1):c.4295G>T (p.Arg1432Leu)

Gene: COL3A1 (collagen type III alpha 1 chain; plus strand). Cytogenetic location: 2q32.2.
Variant type: single nucleotide variant.
Coding change: c.4295G>T on transcript NM_000090.4 (MANE Select); coding-DNA position 4295, G replaced by T.
Protein change: p.Arg1432Leu; replaces arginine 1432 with leucine.
Molecular consequence: missense variant.
Genome position (GRCh38, 1-based): chr2:189,011,668, G>T. VCF-style: chr2-189011668-G-T. GRCh37 (hg19) VCF-style: chr2-189876394-G-T.
Other names: short protein forms R1432L.
Identifiers: ClinVar variation 404289 (VCV000404289.25), dbSNP rs772428340, ClinGen allele CA076555.
Genomic context (GRCh38, chr2:189,011,668, plus strand): 5'-CATTTTGTCCTTTTTTACAGAAACACACTGGGGAATGGAGCAAAACAGTCTTTGAATATC[G>T]AACACGCAAGGCTGTGAGACTACCTATTGTAGATATTGCACCCTATGACATTGGTGGTCC-3'
Protein context (NP_000081.2, residues 1422-1442): GEWSKTVFEY[Arg1432Leu]TRKAVRLPIV